The following is an entry in ClinVar:

NM_001364857.2(ADGRB2):c.1183C>G (p.Gln395Glu)

Gene: ADGRB2 (adhesion G protein-coupled receptor B2; minus strand). Cytogenetic location: 1p35.2.
Variant type: single nucleotide variant.
Coding change: c.1183C>G on transcript NM_001364857.2 (MANE Select); coding-DNA position 1183, C replaced by G.
Protein change: p.Gln395Glu; replaces glutamine 395 with glutamic acid.
Molecular consequence: missense variant.
Genome position (GRCh38, 1-based): chr1:31,742,907, G>C on the plus strand (C>G on the coding strand, the complement: ADGRB2 is on the minus strand). VCF-style: chr1-31742907-G-C. GRCh37 (hg19) VCF-style: chr1-32208508-G-C.
Other names: c.1183C>G, p.Gln395Glu (NM_001294335.2, NM_001294336.2); short protein forms Q395E.
Identifiers: ClinVar variation 4697678 (VCV004697678.1).

ClinVar aggregate classification (germline): Uncertain significance (1 of 4 stars; one submission).

gnomAD v4.1: 24 of 1,539,498 alleles (0.0016%); highest among the groups gnomAD compares: Middle Eastern, 0.02%; no homozygotes.

Submission:

Labcorp Genetics (formerly Invitae), Labcorp
Classification: Uncertain significance. Last evaluated: 2025-11-22. Review status: criteria provided, single submitter. Criteria: Invitae Variant Classification Sherloc (09022015). Collection method: clinical testing. Allele origin: germline.
Comment: This sequence change replaces glutamine, which is neutral and polar, with glutamic acid, which is acidic and polar, at codon 395 of the ADGRB2 protein (p.Gln395Glu). This variant is not present in population databases (gnomAD no frequency). This variant has not been reported in the literature in individuals affected with ADGRB2-related conditions. An algorithm developed to predict the effect of missense changes on protein structure and function (PolyPhen-2) suggests that this variant is likely to be tolerated. In summary, the available evidence is currently insufficient to determine the role of this variant in disease. Therefore, it has been classified as a Variant of Uncertain Significance.